The following is an entry in ClinVar:

NM_020822.3(KCNT1):c.2960A>G (p.Tyr987Cys)

Gene: KCNT1 (potassium sodium-activated channel subfamily T member 1; plus strand). Cytogenetic location: 9q34.3.
Variant type: single nucleotide variant.
Coding change: c.2960A>G on transcript NM_020822.3 (MANE Select); coding-DNA position 2960, A replaced by G.
Protein change: p.Tyr987Cys; replaces tyrosine 987 with cysteine.
Molecular consequence: missense variant.
Genome position (GRCh38, 1-based): chr9:135,784,551, A>G. VCF-style: chr9-135784551-A-G. GRCh37 (hg19) VCF-style: chr9-138676397-A-G.
Other names: c.2825A>G, p.Tyr942Cys (NM_001272003.2); short protein forms Y987C, Y942C.
Identifiers: ClinVar variation 2927742 (VCV002927742.3), dbSNP rs2491084952, ClinGen allele CA375517849.

ClinVar aggregate classification (germline): Uncertain significance (1 of 4 stars; one submission).

Conditions:
Autosomal dominant nocturnal frontal lobe epilepsy 5. Also called: KCNT1-Related Epilepsy; CILIARY DYSKINESIA, PRIMARY, 28, WITH SITUS INVERSUS; CILIARY DYSKINESIA, PRIMARY, 28, WITHOUT SITUS INVERSUS; Epilepsy, nocturnal frontal lobe, 5. Identifiers: Orphanet 98784, MedGen C3554306, MONDO:0014002, OMIM 615005.
Developmental and epileptic encephalopathy, 14 (DEE14). Also called: Early infantile epileptic encephalopathy 14. Identifiers: Orphanet 293181, MedGen C3554195, MONDO:0013989, OMIM 614959.

Submission:

Labcorp Genetics (formerly Invitae), Labcorp
Classification: Uncertain significance for Autosomal dominant nocturnal frontal lobe epilepsy 5; Developmental and epileptic encephalopathy, 14. Last evaluated: 2025-01-07. Review status: criteria provided, single submitter. Criteria: Invitae Variant Classification Sherloc (09022015). Collection method: clinical testing. Allele origin: germline.
Comment: This sequence change replaces tyrosine, which is neutral and polar, with cysteine, which is neutral and slightly polar, at codon 987 of the KCNT1 protein (p.Tyr987Cys). This variant is not present in population databases (gnomAD no frequency). This variant has not been reported in the literature in individuals affected with KCNT1-related conditions. ClinVar contains an entry for this variant (Variation ID: 2927742). Invitae Evidence Modeling of protein sequence and biophysical properties (such as structural, functional, and spatial information, amino acid conservation, physicochemical variation, residue mobility, and thermodynamic stability) has been performed for this missense variant. However, the output from this modeling did not meet the statistical confidence thresholds required to predict the impact of this variant on KCNT1 protein function. In summary, the available evidence is currently insufficient to determine the role of this variant in disease. Therefore, it has been classified as a Variant of Uncertain Significance.